The following is an entry in ClinVar:

ClinVar aggregate classification (germline): Likely benign. Review status: criteria provided, multiple submitters, no conflicts (2 of 4 stars). 6 submissions from 6 submitters: Likely benign (5). 1 of the submissions does not count toward it. Last evaluated 2026-01-14.

Conditions:
Wilson disease (WND). Also called: Wilson's disease. Identifiers: Orphanet 905, MedGen C0019202, MONDO:0010200, OMIM 277900. Disease mechanism: loss of function.
Inborn genetic diseases. Identifiers: MedGen C0950123, MeSH D030342.

Allele frequency attached by ClinVar (database versions not stated): gnomAD exomes below 0.00001.
gnomAD v4.1: 5 of 1,614,216 alleles (0.00031%); highest among the groups gnomAD compares: Admixed American, 0.005%; no homozygotes.

Submissions (6):

Labcorp Genetics (formerly Invitae), Labcorp
Classification: Likely benign for Wilson disease. Last evaluated: 2026-01-14. Review status: criteria provided, single submitter. Criteria: Invitae Variant Classification Sherloc (09022015). Collection method: clinical testing. Allele origin: germline.

All of Us Research Program, National Institutes of Health
Classification: Likely benign for Wilson disease. Last evaluated: 2023-12-13. Review status: criteria provided, single submitter. Criteria: ACMG Guidelines, 2015. Collection method: clinical testing. Allele origin: germline. Inheritance: Autosomal recessive inheritance. Observed: 1 variant allele, 1 heterozygote.
Comment: This study involves interpretation of variants in research participants for the purpose of population health screening. Participant phenotype was not available at the time of variant classification. Additional details can be found in publication PMID: 35346344, PMCID: PMC8962531

Color Diagnostics, LLC DBA Color Health
Classification: Likely benign for Wilson disease. Last evaluated: 2023-11-22. Review status: criteria provided, single submitter. Criteria: ACMG Guidelines, 2015. Collection method: clinical testing. Allele origin: germline.

Ambry Genetics
Classification: Likely benign for Inborn genetic diseases. Last evaluated: 2020-09-24. Review status: criteria provided, single submitter. Criteria: Ambry Variant Classification Scheme 2023. Collection method: clinical testing. Allele origin: germline.

Blueprint Genetics
Classification: Likely benign. Last evaluated: 2020-01-15. Review status: criteria provided, single submitter. Criteria: ACMG Guidelines, 2015. Collection method: clinical testing. Allele origin: germline.

Natera, Inc.
Classification: Uncertain significance for Wilson disease. Last evaluated: 2020-04-15. Review status: no assertion criteria provided. Collection method: clinical testing. Allele origin: germline. Not counted in ClinVar's aggregate classification.

NM_000053.4(ATP7B):c.360C>T (p.Gly120=)

Gene: ATP7B (ATPase copper transporting beta; minus strand). Cytogenetic location: 13q14.3.
Variant type: single nucleotide variant.
Coding change: c.360C>T on transcript NM_000053.4 (MANE Select); coding-DNA position 360, C replaced by T.
Protein change: p.Gly120=; no amino-acid change (glycine 120 retained).
Molecular consequence: synonymous variant.
Genome position (GRCh38, 1-based): chr13:51,974,860, G>A on the plus strand (C>T on the coding strand, the complement: ATP7B is on the minus strand). VCF-style: chr13-51974860-G-A. GRCh37 (hg19) VCF-style: chr13-52548996-G-A.
Other names: c.360C>T, p.Gly120= (NM_001243182.2, NM_001330578.2, NM_001330579.2 and 1 more transcripts); c.360C>T (NM_000053.3).
Identifiers: ClinVar variation 991756 (VCV000991756.13), dbSNP rs1952028232, ClinGen allele CA484025163.